The following is an entry in ClinVar:

NM_020937.4(FANCM):c.1009G>C (p.Ala337Pro)

Gene: FANCM (FA complementation group M; plus strand). Cytogenetic location: 14q21.2.
Variant type: single nucleotide variant.
Coding change: c.1009G>C on transcript NM_020937.4 (MANE Select); coding-DNA position 1009, G replaced by C.
Protein change: p.Ala337Pro; replaces alanine 337 with proline.
Molecular consequence: missense variant.
Genome position (GRCh38, 1-based): chr14:45,151,487, G>C. VCF-style: chr14-45151487-G-C. GRCh37 (hg19) VCF-style: chr14-45620690-G-C.
Other names: c.931G>C, p.Ala311Pro (NM_001308133.2); c.1009G>C, p.Ala337Pro (NM_001308134.2); short protein forms A337P, A311P.
Identifiers: ClinVar variation 577212 (VCV000577212.12), dbSNP rs1210888568, ClinGen allele CA389590666.

ClinVar aggregate classification (germline): Uncertain significance. Review status: criteria provided, multiple submitters, no conflicts (2 of 4 stars). 2 submissions from 2 submitters: Uncertain significance (2). Last evaluated 2025-08-01.

Conditions:
Fanconi anemia (FA). Also called: Fanconi's anemia. Identifiers: Orphanet 84, MedGen C0015625, MeSH D005199, MONDO:0019391.
Inborn genetic diseases. Identifiers: MedGen C0950123, MeSH D030342.

Allele frequency attached by ClinVar (database versions not stated): gnomAD 0.00002.
gnomAD v4.1: 3 of 1,612,394 alleles (0.00019%); highest among the groups gnomAD compares: African/African-American, 0.004%; no homozygotes.

Submissions (2):

Ambry Genetics
Classification: Uncertain significance for Inborn genetic diseases. Last evaluated: 2025-08-01. Review status: criteria provided, single submitter. Criteria: Ambry Variant Classification Scheme 2023. Collection method: clinical testing. Allele origin: germline.
Comment: The p.A337P variant (also known as c.1009G>C), located in coding exon 5 of the FANCM gene, results from a G to C substitution at nucleotide position 1009. The alanine at codon 337 is replaced by proline, an amino acid with highly similar properties. This amino acid position is conserved. In addition, the in silico prediction for this alteration is inconclusive. Based on the available evidence, the clinical significance of this variant remains unclear.

Labcorp Genetics (formerly Invitae), Labcorp
Classification: Uncertain significance for Fanconi anemia. Last evaluated: 2023-12-14. Review status: criteria provided, single submitter. Criteria: Invitae Variant Classification Sherloc (09022015). Collection method: clinical testing. Allele origin: germline.
Comment: This sequence change replaces alanine, which is neutral and non-polar, with proline, which is neutral and non-polar, at codon 337 of the FANCM protein (p.Ala337Pro). This variant is present in population databases (no rsID available, gnomAD 0.01%). This variant has not been reported in the literature in individuals affected with FANCM-related conditions. ClinVar contains an entry for this variant (Variation ID: 577212). An algorithm developed to predict the effect of missense changes on protein structure and function (PolyPhen-2) suggests that this variant is likely to be disruptive. In summary, the available evidence is currently insufficient to determine the role of this variant in disease. Therefore, it has been classified as a Variant of Uncertain Significance.